The following is an entry in ClinVar:

NM_001271803.2(REEP2):c.703G>A (p.Ala235Thr)

Gene: REEP2 (receptor accessory protein 2; plus strand). Cytogenetic location: 5q31.2.
Variant type: single nucleotide variant.
Coding change: c.703G>A on transcript NM_001271803.2 (MANE Select); coding-DNA position 703, G replaced by A.
Protein change: p.Ala235Thr; replaces alanine 235 with threonine.
Molecular consequence: missense variant. On other transcripts: non-coding transcript variant (2).
Genome position (GRCh38, 1-based): chr5:138,445,689, G>A. VCF-style: chr5-138445689-G-A. GRCh37 (hg19) VCF-style: chr5-137781378-G-A.
Other names: c.697G>A, p.Ala233Thr (NM_016606.4); short protein forms A233T, A235T.
Identifiers: ClinVar variation 1690809 (VCV001690809.2), dbSNP rs773035358, ClinGen allele CA361105530.

ClinVar aggregate classification (germline): Uncertain significance (1 of 4 stars; one submission).

Allele frequency attached by ClinVar (database versions not stated): gnomAD exomes below 0.00001.
gnomAD v4.1: 1 of 1,614,170 alleles (0.000062%); highest among the groups gnomAD compares: Non-Finnish European, 0.000085%; no homozygotes.

Submission:

Laboratorio de Genetica e Diagnostico Molecular, Hospital Israelita Albert Einstein
Classification: Uncertain significance. Last evaluated: 2020-02-17. Review status: criteria provided, single submitter. Criteria: ACMG Guidelines, 2015. Collection method: clinical testing. Allele origin: germline. Affected: yes.
Comment: ACMG classification criteria: PM2, BP4